The following is an entry in ClinVar:

NM_152713.5(STT3A):c.672C>G (p.Leu224=)

Gene: STT3A (STT3 oligosaccharyltransferase complex catalytic subunit A; plus strand). Cytogenetic location: 11q24.2.
Variant type: single nucleotide variant.
Coding change: c.672C>G on transcript NM_152713.5 (MANE Select); coding-DNA position 672, C replaced by G.
Protein change: p.Leu224=; no amino-acid change (leucine 224 retained).
Molecular consequence: synonymous variant.
Genome position (GRCh38, 1-based): chr11:125,606,357, C>G. VCF-style: chr11-125606357-C-G. GRCh37 (hg19) VCF-style: chr11-125476252-C-G.
Other names: p.Leu224=; c.672C>G, p.Leu224= (NM_001278503.2); c.396C>G, p.Leu132= (NM_001278504.2).
Identifiers: ClinVar variation 380014 (VCV000380014.12), dbSNP rs34964592, ClinGen allele CA6348901.
Genomic context (GRCh38, chr11:125,606,357, plus strand): 5'-ATAGGTCTCGTCATGGGGAGGTTATGTGTTCCTGATCAACTTAATTCCTCTCCACGTCCT[C>G]GTGCTGATGCTCACAGGCCGTTTCTCTCACCGGATCTATGTGGCCTACTGTACTGTTTAC-3'
Protein context (NP_689926.1, residues 214-234): FLINLIPLHV[Leu224=]VLMLTGRFSH

ClinVar aggregate classification (germline): Benign. Review status: criteria provided, multiple submitters, no conflicts (2 of 4 stars). 4 submissions from 4 submitters: Benign (4). Last evaluated 2026-02-01.

Allele frequency attached by ClinVar (database versions not stated): 1000 Genomes Project 0.10363; 1000 Genomes Project 30x 0.10962; TOPMed 0.11254; ESP Exome Variant Server 0.11500.
gnomAD v4.1: 115,056 of 1,613,844 alleles (7.1%); highest among the groups gnomAD compares: African/African-American, 22%; 5,232 homozygotes.

Submissions (4):

Labcorp Genetics (formerly Invitae), Labcorp
Classification: Benign. Last evaluated: 2026-02-01. Review status: criteria provided, single submitter. Criteria: Invitae Variant Classification Sherloc (09022015). Collection method: clinical testing. Allele origin: germline.

Mayo Clinic Laboratories, Mayo Clinic
Classification: Benign. Last evaluated: 2019-01-03. Review status: criteria provided, single submitter. Criteria: ACMG Guidelines, 2015. Collection method: clinical testing. Allele origin: germline. Observed: 6 variant alleles.

GeneDx
Classification: Benign. Last evaluated: 2015-12-21. Review status: criteria provided, single submitter. Criteria: GeneDx Variant Classification (06012015). Collection method: clinical testing. Allele origin: germline. Affected: yes.
Comment: This variant is considered likely benign or benign based on one or more of the following criteria: it is a conservative change, it occurs at a poorly conserved position in the protein, it is predicted to be benign by multiple in silico algorithms, and/or has population frequency not consistent with disease.

Breakthrough Genomics
Classification: Benign. Review status: criteria provided, single submitter. Criteria: ACMG Guidelines, 2015. Collection method: not provided. Allele origin: germline. Inheritance: Autosomal recessive inheritance. Affected: yes.